The following is an entry in ClinVar:

NM_000038.6(APC):c.7299A>G (p.Glu2433=)

Gene: APC (APC regulator of Wnt signaling pathway; plus strand). Cytogenetic location: 5q22.2.
Variant type: single nucleotide variant.
Coding change: c.7299A>G on transcript NM_000038.6 (MANE Select); coding-DNA position 7299, A replaced by G.
Protein change: p.Glu2433=; no amino-acid change (glutamic acid 2433 retained).
Molecular consequence: synonymous variant.
Genome position (GRCh38, 1-based): chr5:112,842,893, A>G. VCF-style: chr5-112842893-A-G. GRCh37 (hg19) VCF-style: chr5-112178590-A-G.
Other names: c.7299A>G, p.Glu2433= (NM_001127510.3, NM_001354895.2); c.7245A>G, p.Glu2415= (NM_001127511.3); c.7353A>G, p.Glu2451= (NM_001354896.2); c.7329A>G, p.Glu2443= (NM_001354897.2); c.7224A>G, p.Glu2408= (NM_001354898.2); c.7215A>G, p.Glu2405= (NM_001354899.2); c.7176A>G, p.Glu2392= (NM_001354900.2); c.7122A>G, p.Glu2374= (NM_001354901.2); and 5 more.
Identifiers: ClinVar variation 1118411 (VCV001118411.18), dbSNP rs2149983844, ClinGen allele CA446210244.

ClinVar aggregate classification (germline): Likely benign. Review status: criteria provided, multiple submitters, no conflicts (2 of 4 stars). 2 submissions from 2 submitters: Likely benign (2). Last evaluated 2025-08-01.

Conditions:
Familial adenomatous polyposis 1 (FAP1). Also called: POLYPOSIS, ADENOMATOUS INTESTINAL; FAMILIAL ADENOMATOUS POLYPOSIS 1, ATTENUATED. Identifiers: MedGen C2713442, MONDO:0021056, OMIM 175100. Disease mechanism: loss of function.

Submissions (2):

CeGaT Center for Human Genetics Tuebingen
Classification: Likely benign. Last evaluated: 2025-08-01. Review status: criteria provided, single submitter. Criteria: CeGaT Center For Human Genetics Tuebingen Variant Classification Criteria Version 2. Collection method: clinical testing. Allele origin: germline. Affected: yes. Observed: 1 variant allele.
Comment: APC: PM2:Supporting, BP4, BP7

Labcorp Genetics (formerly Invitae), Labcorp
Classification: Likely benign for Familial adenomatous polyposis 1. Last evaluated: 2025-04-07. Review status: criteria provided, single submitter. Criteria: Invitae Variant Classification Sherloc (09022015). Collection method: clinical testing. Allele origin: germline.